The following is an entry in ClinVar:

NM_001253697.2(ERBIN):c.2609C>A (p.Ser870Tyr)

Gene: ERBIN (erbb2 interacting protein; plus strand). Cytogenetic location: 5q12.3.
Variant type: single nucleotide variant.
Coding change: c.2609C>A on transcript NM_001253697.2 (MANE Select); coding-DNA position 2609, C replaced by A.
Protein change: p.Ser870Tyr; replaces serine 870 with tyrosine.
Molecular consequence: missense variant.
Genome position (GRCh38, 1-based): chr5:66,053,927, C>A. VCF-style: chr5-66053927-C-A. GRCh37 (hg19) VCF-style: chr5-65349755-C-A.
Other names: c.2609C>A, p.Ser870Tyr (NM_001006600.3, NM_001253698.2, NM_001253699.2 and 1 more transcripts); c.2597C>A, p.Ser866Tyr (NM_001253701.2); short protein forms S866Y, S870Y.
Identifiers: ClinVar variation 4809070 (VCV004809070.1).

ClinVar aggregate classification (germline): Uncertain significance (1 of 4 stars; one submission).

gnomAD v4.1: 4 of 1,614,082 alleles (0.00025%); highest among the groups gnomAD compares: East Asian, 0.0089%; no homozygotes.

Submission:

Labcorp Genetics (formerly Invitae), Labcorp
Classification: Uncertain significance. Last evaluated: 2025-05-06. Review status: criteria provided, single submitter. Criteria: Invitae Variant Classification Sherloc (09022015). Collection method: clinical testing. Allele origin: germline.
Comment: This sequence change replaces serine, which is neutral and polar, with tyrosine, which is neutral and polar, at codon 870 of the ERBIN protein (p.Ser870Tyr). This variant is present in population databases (rs187504330, gnomAD 0.02%). This variant has not been reported in the literature in individuals affected with ERBIN-related conditions. An algorithm developed to predict the effect of missense changes on protein structure and function (PolyPhen-2) suggests that this variant is likely to be disruptive. In summary, the available evidence is currently insufficient to determine the role of this variant in disease. Therefore, it has been classified as a Variant of Uncertain Significance.